The following is an entry in ClinVar:

NM_005629.4(SLC6A8):c.51_63dup (p.Leu22fs)

Gene: SLC6A8 (solute carrier family 6 member 8; plus strand). Cytogenetic location: Xq28.
Variant type: Duplication.
Coding change: c.51_63dup on transcript NM_005629.4 (MANE Select); coding-DNA positions 51 to 63, 13 bases duplicated (GAAGAAGGGCCCC).
Protein change: p.Leu22fs; shifts the reading frame from leucine 22.
Molecular consequence: frameshift variant.
Genome position (GRCh38, 1-based): chrX:153,688,625-153,688,637, GAAGAAGGGCCCC duplicated. VCF-style (leftmost placement, unchanged base first): chrX-153688624-A-AGAAGAAGGGCCCC. GRCh37 (hg19) VCF-style: chrX-152954079-A-AGAAGAAGGGCCCC.
Other names: c.51_63dup, p.Leu22fs (NM_001142805.2); short protein forms L22fs.
Identifiers: ClinVar variation 3648883 (VCV003648883.2).

ClinVar aggregate classification (germline): Pathogenic (1 of 4 stars; one submission).

Conditions:
Creatine transporter deficiency (CCDS1). Also called: Mental retardation , X-linked with seizures, short stature and midface hypoplasia; Mental retardation , X-linked, with creatine transport deficiency; X-linked creatine transporter deficiency; X-linked creatine deficiency syndrome; SLC6A8-Related Creatine Transporter Deficiency; CREATINE TRANSPORTER DEFECT. Identifiers: Orphanet 52503, MedGen C1845862, MONDO:0010305, OMIM 300352.

Submission:

Labcorp Genetics (formerly Invitae), Labcorp
Classification: Pathogenic for Creatine transporter deficiency. Last evaluated: 2024-04-05. Review status: criteria provided, single submitter. Criteria: Invitae Variant Classification Sherloc (09022015). Collection method: clinical testing. Allele origin: germline.
Comment: This sequence change creates a premature translational stop signal (p.Leu22Glufs*171) in the SLC6A8 gene. It is expected to result in an absent or disrupted protein product. Loss-of-function variants in SLC6A8 are known to be pathogenic (PMID: 22281021). This variant is not present in population databases (gnomAD no frequency). This variant has not been reported in the literature in individuals affected with SLC6A8-related conditions. For these reasons, this variant has been classified as Pathogenic.

Literature cited by the submitters: PubMed 22281021.